The following is an entry in ClinVar:

NM_001009944.3(PKD1):c.3977T>C (p.Phe1326Ser)

Gene: PKD1 (polycystin 1, transient receptor potential channel interacting; minus strand). Cytogenetic location: 16p13.3.
Variant type: single nucleotide variant.
Coding change: c.3977T>C on transcript NM_001009944.3 (MANE Select); coding-DNA position 3977, T replaced by C.
Protein change: p.Phe1326Ser; replaces phenylalanine 1326 with serine.
Molecular consequence: missense variant.
Genome position (GRCh38, 1-based): chr16:2,111,190, A>G on the plus strand (T>C on the coding strand, the complement: PKD1 is on the minus strand). VCF-style: chr16-2111190-A-G. GRCh37 (hg19) VCF-style: chr16-2161191-A-G.
Other names: c.3977T>C, p.Phe1326Ser (NM_000296.4); c.3977T>C (NM_001009944.2); short protein forms F1326S.
Identifiers: ClinVar variation 993511 (VCV000993511.10), dbSNP rs2092493397, ClinGen allele CA394381843.

ClinVar aggregate classification (germline): Uncertain significance. Review status: criteria provided, multiple submitters, no conflicts (2 of 4 stars). 3 submissions from 3 submitters: Uncertain significance (2). 1 of the submissions does not count toward it. Last evaluated 2021-10-19.

Conditions:
PKD1-related disorder. Also called: PKD1-related condition.
Polycystic kidney disease, adult type (PKD1). Also called: Polycystic Kidney Disease 1, Autosomal Dominant; Polycystic kidney disease 1; Polycystic kidney disease 1, severe; POLYCYSTIC KIDNEY DISEASE, ADULT, TYPE I; POLYCYSTIC KIDNEY DISEASE 1 WITH OR WITHOUT POLYCYSTIC LIVER DISEASE; Polycystic Kidney, Autosomal Dominant. Identifiers: MedGen C3149841, MONDO:0008263, OMIM 173900.

Submissions (3):

Fulgent Genetics
Classification: Uncertain significance for Polycystic kidney disease, adult type. Last evaluated: 2021-10-19. Review status: criteria provided, single submitter. Criteria: ACMG Guidelines, 2015. Collection method: clinical testing. Allele origin: unknown.

ARUP Laboratories, Molecular Genetics and Genomics, ARUP Laboratories
Classification: Uncertain significance for Polycystic kidney disease, adult type. Last evaluated: 2020-04-15. Review status: criteria provided, single submitter. Criteria: ARUP Molecular Germline Variant Investigation Process. Collection method: clinical testing. Allele origin: germline.
Comment: The PKD1 c.3977T>C; p.Phe1326Ser variant, to our knowledge, is not reported in the medical literature or gene specific databases. This variant is also absent from general population databases (Exome Variant Server, Genome Aggregation Database), indicating it is not a common polymorphism. The phenylalanine at codon 1326 is highly conserved, and computational analyses (SIFT, PolyPhen-2) predict that this variant is deleterious. Due to limited information, the clinical significance of the p.Phe1326Ser variant is uncertain at this time.

PreventionGenetics, part of Exact Sciences
Classification: Uncertain significance for PKD1-related condition. Last evaluated: 2024-09-09. Review status: no assertion criteria provided. Collection method: clinical testing. Allele origin: germline. Not counted in ClinVar's aggregate classification.
Comment: The PKD1 c.3977T>C variant is predicted to result in the amino acid substitution p.Phe1326Ser. To our knowledge, this variant has not been reported in the literature or in a large population database, indicating this variant is rare. At this time, the clinical significance of this variant is uncertain due to the absence of conclusive functional and genetic evidence.